The following is an entry in ClinVar:

ClinVar aggregate classification (germline): Uncertain significance (1 of 4 stars; one submission).

gnomAD v4.1: 2 of 1,603,500 alleles (0.00012%); highest among the groups gnomAD compares: Non-Finnish European, 0.00017%; no homozygotes.

Submission:

Women's Health and Genetics/Laboratory Corporation of America, LabCorp
Classification: Uncertain significance. Last evaluated: 2022-08-22. Review status: criteria provided, single submitter. Criteria: LabCorp Variant Classification Summary - May 2015. Collection method: clinical testing. Allele origin: germline.
Comment: Variant summary: RYR2 c.13957-10A>C alters a non-conserved nucleotide located close to a canonical splice site and therefore could affect mRNA splicing, leading to a significantly altered protein sequence. 4/4 computational tools predict no significant impact on normal splicing. However, these predictions have yet to be confirmed by functional studies. The variant was absent in 235960 control chromosomes. The available data on variant occurrences in the general population are insufficient to allow any conclusion about variant significance. To our knowledge, no occurrence of c.13957-10A>C in individuals affected with Catecholaminergic Polymorphic Ventricular Tachycardia and no experimental evidence demonstrating its impact on protein function have been reported. No clinical diagnostic laboratories have submitted clinical-significance assessments for this variant to ClinVar after 2014. Based on the evidence outlined above, the variant was classified as uncertain significance.

NM_001035.3(RYR2):c.13957-10A>C

Gene: RYR2 (ryanodine receptor 2; plus strand). Cytogenetic location: 1q43.
Variant type: single nucleotide variant.
Coding change: c.13957-10A>C on transcript NM_001035.3 (MANE Select); 10 bases into the intron before coding-DNA position 13957, A replaced by C.
Molecular consequence: intron variant.
Genome position (GRCh38, 1-based): chr1:237,798,027, A>C. VCF-style: chr1-237798027-A-C. GRCh37 (hg19) VCF-style: chr1-237961327-A-C.
Identifiers: ClinVar variation 1705169 (VCV001705169.1), dbSNP rs780730833, ClinGen allele CA2580062451.